The following is an entry in ClinVar:

ClinVar aggregate classification (germline): Uncertain significance (1 of 4 stars; one submission).

Allele frequency attached by ClinVar (database versions not stated): gnomAD exomes below 0.00001; TOPMed below 0.00001.
gnomAD v4.1: 1 of 1,614,002 alleles (0.000062%); highest among the groups gnomAD compares: Non-Finnish European, 0.000085%; no homozygotes.

Submission:

Labcorp Genetics (formerly Invitae), Labcorp
Classification: Uncertain significance. Last evaluated: 2022-10-12. Review status: criteria provided, single submitter. Criteria: Invitae Variant Classification Sherloc (09022015). Collection method: clinical testing. Allele origin: germline.
Comment: This sequence change replaces serine, which is neutral and polar, with tyrosine, which is neutral and polar, at codon 1579 of the VCAN protein (p.Ser1579Tyr). In summary, the available evidence is currently insufficient to determine the role of this variant in disease. Therefore, it has been classified as a Variant of Uncertain Significance. Algorithms developed to predict the effect of missense changes on protein structure and function are either unavailable or do not agree on the potential impact of this missense change (SIFT: "Deleterious"; PolyPhen-2: "Possibly Damaging"; Align-GVGD: "Class C15"). ClinVar contains an entry for this variant (Variation ID: 1499370). This variant has not been reported in the literature in individuals affected with VCAN-related conditions. This variant is not present in population databases (gnomAD no frequency).

NM_004385.5(VCAN):c.4736C>A (p.Ser1579Tyr)

Genes: VCAN (versican; plus strand), VCAN-AS1 (VCAN antisense RNA 1; minus strand). Cytogenetic location: 5q14.3.
Variant type: single nucleotide variant.
Coding change: c.4736C>A on transcript NM_004385.5 (MANE Select); coding-DNA position 4736, C replaced by A.
Protein change: p.Ser1579Tyr; replaces serine 1579 with tyrosine.
Molecular consequence: missense variant. On other transcripts: intron variant (2).
Genome position (GRCh38, 1-based): chr5:83,537,739, C>A. VCF-style: chr5-83537739-C-A. GRCh37 (hg19) VCF-style: chr5-82833558-C-A.
Other names: c.1775C>A, p.Ser592Tyr (NM_001164097.2); c.4004-7798C>A (NM_001164098.2); c.1043-7798C>A (NM_001126336.3); short protein forms S592Y, S1579Y.
Identifiers: ClinVar variation 1499370 (VCV001499370.8), dbSNP rs981857280, ClinGen allele CA121808798.